The following is an entry in ClinVar:

NM_001378454.1(ALMS1):c.6448A>G (p.Ile2150Val)

Gene: ALMS1 (ALMS1 centrosome and basal body associated protein; plus strand). Cytogenetic location: 2p13.1.
Variant type: single nucleotide variant.
Coding change: c.6448A>G on transcript NM_001378454.1 (MANE Select); coding-DNA position 6448, A replaced by G.
Protein change: p.Ile2150Val; replaces isoleucine 2150 with valine.
Molecular consequence: missense variant.
Genome position (GRCh38, 1-based): chr2:73,452,975, A>G. VCF-style: chr2-73452975-A-G. GRCh37 (hg19) VCF-style: chr2-73680102-A-G.
Other names: c.6451A>G, p.Ile2151Val (NM_015120.4); short protein forms I2150V, I2151V.
Identifiers: ClinVar variation 2171343 (VCV002171343.2), dbSNP rs753094693, ClinGen allele CA1714065.
Genomic context (GRCh38, chr2:73,452,975, plus strand): 5'-CAGAAAACAGTATTACCAACAGCTCTTCCTAGTTCCTTTTCACATCGAGAGAAACCAGAT[A>G]TTTTCTATCAAAAGGATTTGCCAGATAGACATCTAACTGAAGATGCTCTAAAGATCTCAA-3'
Protein context (NP_001365383.1, residues 2140-2160): SSFSHREKPD[Ile2150Val]FYQKDLPDRH

ClinVar aggregate classification (germline): Uncertain significance. Review status: criteria provided, multiple submitters, no conflicts (2 of 4 stars). 2 submissions from 2 submitters: Uncertain significance (2). Last evaluated 2026-03-17.

Conditions:
Alstrom syndrome (ALMS). Identifiers: Orphanet 64, MedGen C0268425, MONDO:0008763, OMIM 203800.

Allele frequency attached by ClinVar (database versions not stated): gnomAD 0.00001; ExAC 0.00002; TOPMed 0.00002.
gnomAD v4.1: 36 of 1,612,426 alleles (0.0022%); highest among the groups gnomAD compares: Middle Eastern, 0.033%; no homozygotes.

Submissions (2):

GeneDx
Classification: Uncertain significance. Last evaluated: 2026-03-17. Review status: criteria provided, single submitter. Criteria: GeneDx Variant Classification Process June 2021. Collection method: clinical testing. Allele origin: germline.
Comment: Not observed at significant frequency in large population cohorts (gnomAD); In silico analysis suggests that this missense variant does not alter protein structure/function; Has not been previously published as pathogenic or benign to our knowledge

Labcorp Genetics (formerly Invitae), Labcorp
Classification: Uncertain significance for Alstrom syndrome. Last evaluated: 2022-07-29. Review status: criteria provided, single submitter. Criteria: Invitae Variant Classification Sherloc (09022015). Collection method: clinical testing. Allele origin: germline.
Comment: This sequence change replaces isoleucine, which is neutral and non-polar, with valine, which is neutral and non-polar, at codon 2151 of the ALMS1 protein (p.Ile2151Val). This variant is present in population databases (rs753094693, gnomAD 0.007%). This variant has not been reported in the literature in individuals affected with ALMS1-related conditions. In summary, the available evidence is currently insufficient to determine the role of this variant in disease. Therefore, it has been classified as a Variant of Uncertain Significance.